The following is an entry in ClinVar:

NM_000179.3(MSH6):c.1303C>G (p.Leu435Val)

Gene: MSH6 (mutS homolog 6; plus strand). Cytogenetic location: 2p16.3.
Variant type: single nucleotide variant.
Coding change: c.1303C>G on transcript NM_000179.3 (MANE Select); coding-DNA position 1303, C replaced by G.
Protein change: p.Leu435Val; replaces leucine 435 with valine.
Molecular consequence: missense variant.
Genome position (GRCh38, 1-based): chr2:47,799,286, C>G. VCF-style: chr2-47799286-C-G. GRCh37 (hg19) VCF-style: chr2-48026425-C-G.
Other names: c.913C>G, p.Leu305Val (NM_001281492.2); c.397C>G, p.Leu133Val (NM_001281493.2, NM_001281494.2); short protein forms L133V, L435V, L305V.
Identifiers: ClinVar variation 944824 (VCV000944824.16), dbSNP rs876660441, ClinGen allele CA346744292.
Genomic context (GRCh38, chr2:47,799,286, plus strand): 5'-CAGATTAAGTCTCAGAACTTTGATCTTGTCATCTGTTACAAGGTGGGGAAATTTTATGAG[C>G]TGTACCACATGGATGCTCTTATTGGAGTCAGTGAACTGGGGCTGGTATTCATGAAAGGCA-3'
Protein context (NP_000170.1, residues 425-445): ICYKVGKFYE[Leu435Val]YHMDALIGVS

ClinVar aggregate classification (germline): Conflicting classifications of pathogenicity. Review status: criteria provided, conflicting classifications (1 of 4 stars). 4 submissions from 4 submitters: Likely pathogenic (1); Uncertain significance (3). Last evaluated 2026-01-29.

Conditions:
Endometrial carcinoma. Also called: Endometrial carcinoma, somatic. Identifiers: MedGen C0476089, MONDO:0002447, OMIM 608089, HP:0012114.
Hereditary nonpolyposis colorectal neoplasms. Identifiers: MedGen C0009405, MeSH D003123.
Hereditary cancer-predisposing syndrome. Also called: Tumor predisposition; Hereditary neoplastic syndrome; Hereditary Cancer Syndrome; Neoplastic Syndromes, Hereditary. Identifiers: Orphanet 140162, MedGen C0027672, MeSH D009386, MONDO:0015356.

Allele frequency attached by ClinVar (database versions not stated): gnomAD exomes below 0.00001.
gnomAD v4.1: 1 of 1,614,004 alleles (0.000062%); highest among the groups gnomAD compares: Non-Finnish European, 0.000085%; no homozygotes.

Submissions (4):

Ambry Genetics
Classification: Uncertain significance for Hereditary cancer-predisposing syndrome. Last evaluated: 2026-01-29. Review status: criteria provided, single submitter. Criteria: Ambry Variant Classification Scheme 2023. Collection method: clinical testing. Allele origin: germline.
Comment: The p.L435V variant (also known as c.1303C>G), located in coding exon 4 of the MSH6 gene, results from a C to G substitution at nucleotide position 1303. The leucine at codon 435 is replaced by valine, an amino acid with highly similar properties. This amino acid position is highly conserved in available vertebrate species. In addition, the in silico prediction for this alteration is inconclusive. Based on the available evidence, the clinical significance of this variant remains unclear.

Color Diagnostics, LLC DBA Color Health
Classification: Uncertain significance for Hereditary cancer-predisposing syndrome. Last evaluated: 2025-07-18. Review status: criteria provided, single submitter. Criteria: ACMG Guidelines, 2015. Collection method: clinical testing. Allele origin: germline.
Comment: This missense variant replaces leucine with valine at codon 435 of the MSH6 protein. Computational prediction suggests that this variant may have deleterious impact on protein structure and function. To our knowledge, functional studies have not been reported for this variant. This variant has not been reported in individuals affected with hereditary cancer in the literature. This variant has not been identified in the general population by the Genome Aggregation Database (gnomAD). A different missense variant occurring at the same codon, p.Leu435Pro, is known to be a disease-causing variant (ClinVar variation ID: 89186), indicating leucine at this position is important for MSH6 protein function. The available evidence is insufficient to determine the role of this variant in disease conclusively. Therefore, this variant is classified as a Variant of Uncertain Significance.

Labcorp Genetics (formerly Invitae), Labcorp
Classification: Likely pathogenic for Hereditary nonpolyposis colorectal neoplasms. Last evaluated: 2025-06-22. Review status: criteria provided, single submitter. Criteria: Invitae Variant Classification Sherloc (09022015). Collection method: clinical testing. Allele origin: germline.
Comment: This sequence change replaces leucine, which is neutral and non-polar, with valine, which is neutral and non-polar, at codon 435 of the MSH6 protein (p.Leu435Val). This variant is not present in population databases (gnomAD no frequency). This variant has not been reported in the literature in individuals affected with MSH6-related conditions. ClinVar contains an entry for this variant (Variation ID: 944824). Invitae Evidence Modeling incorporating data from in vitro experimental studies (internal data) indicates that this missense variant is expected to disrupt MSH6 function with a positive predictive value of 95%. This variant disrupts the p.Leu435 amino acid residue in MSH6. Other variant(s) that disrupt this residue have been determined to be pathogenic (PMID: 16885385, 17909073, 22581703; internal data). This suggests that this residue is clinically significant, and that variants that disrupt this residue are likely to be disease-causing. In summary, the currently available evidence indicates that the variant is pathogenic, but additional data are needed to prove that conclusively. Therefore, this variant has been classified as Likely Pathogenic.

Baylor Genetics
Classification: Uncertain significance for Endometrial carcinoma. Last evaluated: 2023-10-19. Review status: criteria provided, single submitter. Criteria: ACMG Guidelines, 2015. Collection method: clinical testing. Allele origin: unknown.

Literature cited by the submitters: PubMed 16885385 (cited by Labcorp Genetics (formerly Invitae), Labcorp); PubMed 17909073 (cited by Labcorp Genetics (formerly Invitae), Labcorp); PubMed 22581703 (cited by Labcorp Genetics (formerly Invitae), Labcorp).